The following is an entry in ClinVar:

ClinVar aggregate classification (germline): Conflicting classifications of pathogenicity. Review status: criteria provided, conflicting classifications (1 of 4 stars). 2 submissions from 2 submitters: Uncertain significance (1); Benign (1). Last evaluated 2025-05-28.

Conditions:
Tuberous sclerosis 2 (TSC2). Identifiers: Orphanet 805, MedGen C1860707, MONDO:0013199, OMIM 613254.
Hereditary cancer-predisposing syndrome. Also called: Neoplastic Syndromes, Hereditary; Tumor predisposition; Hereditary Cancer Syndrome; Hereditary neoplastic syndrome. Identifiers: Orphanet 140162, MedGen C0027672, MeSH D009386, MONDO:0015356.

Allele frequency attached by ClinVar (database versions not stated): gnomAD exomes 0.00001.
gnomAD v4.1: 3 of 1,607,940 alleles (0.00019%); highest among the groups gnomAD compares: Non-Finnish European, 0.00025%; no homozygotes.

Submissions (2):

Ambry Genetics
Classification: Uncertain significance for Hereditary cancer-predisposing syndrome. Last evaluated: 2025-05-28. Review status: criteria provided, single submitter. Criteria: Ambry Variant Classification Scheme 2023. Collection method: clinical testing. Allele origin: germline.
Comment: The p.P1314S variant (also known as c.3940C>T), located in coding exon 32 of the TSC2 gene, results from a C to T substitution at nucleotide position 3940. The proline at codon 1314 is replaced by serine, an amino acid with similar properties. This variant was identified in a cohort of 9769 individuals with epilepsy undergoing genetic testing (Truty R et al. Epilepsia Open, 2019 Sep;4:397-408). This amino acid position is not well conserved in available vertebrate species, and serine is the reference amino acid in other vertebrate species. In addition, this alteration is predicted to be tolerated by in silico analysis. Based on the available evidence, the clinical significance of this variant remains unclear.

Labcorp Genetics (formerly Invitae), Labcorp
Classification: Benign for Tuberous sclerosis 2. Last evaluated: 2025-01-15. Review status: criteria provided, single submitter. Criteria: Invitae Variant Classification Sherloc (09022015). Collection method: clinical testing. Allele origin: germline.

Literature cited by the submitters: PubMed 31440721 (cited by Ambry Genetics).

NM_000548.5(TSC2):c.3940C>T (p.Pro1314Ser)

Gene: TSC2 (TSC complex subunit 2; plus strand). Cytogenetic location: 16p13.3.
Variant type: single nucleotide variant.
Coding change: c.3940C>T on transcript NM_000548.5 (MANE Select); coding-DNA position 3940, C replaced by T.
Protein change: p.Pro1314Ser; replaces proline 1314 with serine.
Molecular consequence: missense variant.
Genome position (GRCh38, 1-based): chr16:2,083,751, C>T. VCF-style: chr16-2083751-C-T. GRCh37 (hg19) VCF-style: chr16-2133752-C-T.
Other names: c.3739C>T, p.Pro1247Ser (NM_001077183.3); c.3871C>T, p.Pro1291Ser (NM_001114382.3); c.3631C>T, p.Pro1211Ser (NM_001318827.2); c.3595C>T, p.Pro1199Ser (NM_001318829.2); c.3208C>T, p.Pro1070Ser (NM_001318831.2); c.3772C>T, p.Pro1258Ser (NM_001318832.2); c.3742C>T, p.Pro1248Ser (NM_001363528.2); c.3808C>T, p.Pro1270Ser (NM_001370404.1); and 1 more; short protein forms P1314S, P1070S, P1199S, P1211S, P1247S, P1248S, P1270S, P1271S.
Identifiers: ClinVar variation 566430 (VCV000566430.13), dbSNP rs771499212, ClinGen allele CA049677.